The following is an entry in ClinVar:

ClinVar aggregate classification (germline): Uncertain significance. Review status: criteria provided, multiple submitters, no conflicts (2 of 4 stars). 3 submissions from 3 submitters: Uncertain significance (3). Last evaluated 2026-04-23.

Conditions:
Cardiovascular phenotype. Identifiers: MedGen CN230736.
Long QT syndrome (LQTS). Identifiers: MedGen C0023976, MeSH D008133, MONDO:0002442. Disease mechanism: loss of function. Inheritance: Various modes of inheritance.
CACNA1C-related disorder. Also called: CACNA1C-related condition; CACNA1C-related disorders. Identifiers: MedGen CN381092, MONDO:0700321.

Allele frequency attached by ClinVar (database versions not stated): gnomAD exomes 0.00001; TOPMed 0.00005; gnomAD 0.00006 and 0.00005.
gnomAD v4.1: 29 of 1,612,568 alleles (0.0018%); highest among the groups gnomAD compares: African/African-American, 0.028%; no homozygotes.

Submissions (3):

PreventionGenetics, part of Exact Sciences
Classification: Uncertain significance for CACNA1C-related condition. Last evaluated: 2026-04-23. Review status: criteria provided, single submitter. Criteria: ACMG Guidelines, 2015. Collection method: clinical testing. Allele origin: germline.
Comment: The CACNA1C c.5510A>G variant is predicted to result in the amino acid substitution p.Tyr1837Cys. To our knowledge, this variant has not been reported in the literature. This variant is reported in 0.012% of alleles in individuals of African descent in gnomAD. At this time, the clinical significance of this variant is uncertain due to the absence of conclusive functional and genetic evidence.

Labcorp Genetics (formerly Invitae), Labcorp
Classification: Uncertain significance for Long QT syndrome. Last evaluated: 2026-02-03. Review status: criteria provided, single submitter. Criteria: Invitae Variant Classification Sherloc (09022015). Collection method: clinical testing. Allele origin: germline.
Comment: This sequence change replaces tyrosine, which is neutral and polar, with cysteine, which is neutral and slightly polar, at codon 1837 of the CACNA1C protein (p.Tyr1837Cys). This variant is present in population databases (no rsID available, gnomAD 0.01%). This variant has not been reported in the literature in individuals affected with CACNA1C-related conditions. ClinVar contains an entry for this variant (Variation ID: 934957). Invitae Evidence Modeling of protein sequence and biophysical properties (such as structural, functional, and spatial information, amino acid conservation, physicochemical variation, residue mobility, and thermodynamic stability) indicates that this missense variant is not expected to disrupt CACNA1C protein function with a negative predictive value of 95%. In summary, the available evidence is currently insufficient to determine the role of this variant in disease. Therefore, it has been classified as a Variant of Uncertain Significance.

Ambry Genetics
Classification: Uncertain significance for Cardiovascular phenotype. Last evaluated: 2025-02-11. Review status: criteria provided, single submitter. Criteria: Ambry Variant Classification Scheme 2023. Collection method: clinical testing. Allele origin: germline.
Comment: The p.Y1837C variant (also known as c.5510A>G), located in coding exon 43 of the CACNA1C gene, results from an A to G substitution at nucleotide position 5510. The tyrosine at codon 1837 is replaced by cysteine, an amino acid with highly dissimilar properties. This amino acid position is not well conserved in available vertebrate species. In addition, the in silico prediction for this alteration is inconclusive. Since supporting evidence is limited at this time, the clinical significance of this alteration remains unclear.

NM_000719.7(CACNA1C):c.5510A>G (p.Tyr1837Cys)

Genes: CACNA1C (calcium voltage-gated channel subunit alpha1 C; plus strand), CACNA1C-AS1 (CACNA1C antisense RNA 1; minus strand). Cytogenetic location: 12p13.33.
Variant type: single nucleotide variant.
Coding change: c.5510A>G on transcript NM_000719.7 (MANE Select); coding-DNA position 5510, A replaced by G.
Protein change: p.Tyr1837Cys; replaces tyrosine 1837 with cysteine.
Molecular consequence: missense variant.
Genome position (GRCh38, 1-based): chr12:2,682,615, A>G. VCF-style: chr12-2682615-A-G. GRCh37 (hg19) VCF-style: chr12-2791781-A-G.
Other names: c.5654A>G, p.Tyr1885Cys (NM_001129827.2); c.5633A>G, p.Tyr1878Cys (NM_001129829.2); c.5615A>G, p.Tyr1872Cys (NM_001129830.3, NM_001167624.3); c.5594A>G, p.Tyr1865Cys (NM_001129831.2); c.5570A>G, p.Tyr1857Cys (NM_001129832.2); c.5567A>G, p.Tyr1856Cys (NM_001129833.2, NM_001129834.2, NM_001129835.2); c.5561A>G, p.Tyr1854Cys (NM_001129836.2); c.5534A>G, p.Tyr1845Cys (NM_001129837.2, NM_001129838.2); and 6 more; short protein forms Y1843C, Y1872C, Y1834C, Y1837C, Y1845C, Y1857C, Y1885C, Y1920C.
Identifiers: ClinVar variation 934957 (VCV000934957.11), dbSNP rs952990263, ClinGen allele CA231613377.